The following is an entry in ClinVar:

ClinVar aggregate classification (germline): Uncertain significance (1 of 4 stars; one submission).

gnomAD v4.1: 1 of 1,614,088 alleles (0.000062%); highest among the groups gnomAD compares: Non-Finnish European, 0.000085%; no homozygotes.

Submission:

Labcorp Genetics (formerly Invitae), Labcorp
Classification: Uncertain significance. Last evaluated: 2025-05-07. Review status: criteria provided, single submitter. Criteria: Invitae Variant Classification Sherloc (09022015). Collection method: clinical testing. Allele origin: germline.
Comment: This sequence change replaces proline, which is neutral and non-polar, with histidine, which is basic and polar, at codon 200 of the DMRT2 protein (p.Pro200His). This variant is not present in population databases (gnomAD no frequency). This variant has not been reported in the literature in individuals affected with DMRT2-related conditions. An algorithm developed to predict the effect of missense changes on protein structure and function (PolyPhen-2) suggests that this variant is likely to be disruptive. In summary, the available evidence is currently insufficient to determine the role of this variant in disease. Therefore, it has been classified as a Variant of Uncertain Significance.

NM_181872.6(DMRT2):c.599C>A (p.Pro200His)

Gene: DMRT2 (doublesex and mab-3 related transcription factor 2; plus strand). Cytogenetic location: 9p24.3.
Variant type: single nucleotide variant.
Coding change: c.599C>A on transcript NM_181872.6 (MANE Select); coding-DNA position 599, C replaced by A.
Protein change: p.Pro200His; replaces proline 200 with histidine.
Molecular consequence: missense variant. On other transcripts: 5 prime UTR variant (1), non-coding transcript variant (1).
Genome position (GRCh38, 1-based): chr9:1,053,795, C>A. VCF-style: chr9-1053795-C-A. GRCh37 (hg19) VCF-style: chr9-1053795-C-A.
Other names: c.599C>A, p.Pro200His (NM_001130865.3, NM_001370531.1, NM_001370533.1 and 4 more transcripts); c.77C>A, p.Pro26His (NM_001370532.1); c.-101C>A (NM_001387560.1); short protein forms P26H, P200H.
Identifiers: ClinVar variation 4719104 (VCV004719104.1).
Genomic context (GRCh38, chr9:1,053,795, plus strand): 5'-TTTCCGGGAAACAGAATAATTTCGAGCGCAAAGCTGTGTACCAGAGGCAAGTCAGAGCCC[C>A]CAGTTTGCTGGCCAAAAGCATTTTAGAAGGTAAAGCAACAAAATTATCCTTCAGCCTTTT-3'
Protein context (NP_870987.2, residues 190-210): KAVYQRQVRA[Pro200His]SLLAKSILEG